The following is an entry in ClinVar:

NM_001080433.2(CCDC85A):c.768C>T (p.Pro256=)

Gene: CCDC85A (coiled-coil domain containing 85A; plus strand). Cytogenetic location: 2p16.1.
Variant type: single nucleotide variant.
Coding change: c.768C>T on transcript NM_001080433.2 (MANE Select); coding-DNA position 768, C replaced by T.
Protein change: p.Pro256=; no amino-acid change (proline 256 retained).
Molecular consequence: synonymous variant.
Genome position (GRCh38, 1-based): chr2:56,192,968, C>T. VCF-style: chr2-56192968-C-T. GRCh37 (hg19) VCF-style: chr2-56420103-C-T.
Other names: c.768C>T, p.Pro256= (NM_001348512.1, NM_001348513.1, NM_001348514.1 and 2 more transcripts).
Identifiers: ClinVar variation 2650954 (VCV002650954.24), dbSNP rs374744627, ClinGen allele CA1669321.

ClinVar aggregate classification (germline): Likely benign (1 of 4 stars; one submission).

Allele frequency attached by ClinVar (database versions not stated): ESP Exome Variant Server 0.00008; ExAC 0.00011; 1000 Genomes Project 30x 0.00016; gnomAD 0.00017; TOPMed 0.00017; 1000 Genomes Project 0.00020.
gnomAD v4.1: 123 of 1,613,482 alleles (0.0076%); highest among the groups gnomAD compares: African/African-American, 0.047%; no homozygotes.

Submission:

CeGaT Center for Human Genetics Tuebingen
Classification: Likely benign. Last evaluated: 2022-03-01. Review status: criteria provided, single submitter. Criteria: CeGaT Center For Human Genetics Tuebingen Variant Classification Criteria Version 2. Collection method: clinical testing. Allele origin: germline. Affected: yes. Observed: 1 variant allele.
Comment: CCDC85A: BP4, BP7